The following is an entry in ClinVar:

ClinVar aggregate classification (germline): Pathogenic. Review status: criteria provided, multiple submitters, no conflicts (2 of 4 stars). 4 submissions from 4 submitters: Pathogenic (2). 2 of the submissions do not count toward it. Last evaluated 2026-05-10.

Conditions:
TRIM37-related disorder. Also called: TRIM37-related condition.
Mulibrey nanism syndrome. Also called: MUSCLE-LIVER-BRAIN-EYE NANISM; PERHEENTUPA SYNDROME; PERICARDIAL CONSTRICTION AND GROWTH FAILURE. Identifiers: Orphanet 2576, MedGen C0524582, MONDO:0009664, OMIM 253250.

Submissions (4):

PreventionGenetics, part of Exact Sciences
Classification: Pathogenic for TRIM37-related condition. Last evaluated: 2026-05-10. Review status: criteria provided, single submitter. Criteria: ACMG Guidelines, 2015. Collection method: clinical testing. Allele origin: germline.
Comment: The TRIM37 c.2212delG variant is predicted to result in a frameshift and premature protein termination (p.Glu738Asnfs*31). This variant, also described as Finn-minor variant, has been reported as compound heterozygous in three individuals with Mulibrey nanism (Avela et al. 2000. PubMed ID: 10888877; Karlberg et al. 2011. PubMed ID: 21865362). This variant is reported in 0.036% of alleles in individuals of European (Finnish) descent in gnomAD. Frameshift variants in TRIM37 are expected to be pathogenic. This variant is interpreted as pathogenic.

Labcorp Genetics (formerly Invitae), Labcorp
Classification: Pathogenic. Last evaluated: 2023-10-08. Review status: criteria provided, single submitter. Criteria: Invitae Variant Classification Sherloc (09022015). Collection method: clinical testing. Allele origin: germline.
Comment: This sequence change creates a premature translational stop signal (p.Glu738Asnfs*31) in the TRIM37 gene. It is expected to result in an absent or disrupted protein product. Loss-of-function variants in TRIM37 are known to be pathogenic (PMID: 10888877, 15108285). This variant is present in population databases (rs386833416, gnomAD 0.03%). This premature translational stop signal has been observed in individual(s) with Mulabrey nanism (PMID: 10888877, 21865362). ClinVar contains an entry for this variant (Variation ID: 56568). For these reasons, this variant has been classified as Pathogenic.

OMIM
Classification: Pathogenic for MULIBREY NANISM. Last evaluated: 2000-07-01. Review status: no assertion criteria provided. Collection method: literature only. Allele origin: germline. Not counted in ClinVar's aggregate classification.

Juha Muilu Group; Institute for Molecular Medicine Finland (FIMM)
Classification: Pathogenic for Mulibrey nanism syndrome. Review status: no assertion criteria provided. Collection method: not provided. Allele origin: unknown. Not counted in ClinVar's aggregate classification.
Comment: FinDis database variant: This variant was not found or characterized by our laboratory, data were collected from public sources: see reference
ClinVar note: Converted during submission from pathogenic to Pathogenic.

Literature cited by the submitters: PubMed 10888877 (cited by Labcorp Genetics (formerly Invitae), Labcorp and OMIM); PubMed 15108285 (cited by Labcorp Genetics (formerly Invitae), Labcorp); PubMed 21865362 (cited by Labcorp Genetics (formerly Invitae), Labcorp).

NM_015294.6(TRIM37):c.2212del (p.Glu738fs)

Gene: TRIM37 (tripartite motif containing 37; minus strand). Cytogenetic location: 17q22.
Variant type: Deletion.
Coding change: c.2212del on transcript NM_015294.6 (MANE Select); coding-DNA position 2212, one base deleted (G; older notation c.2212delG).
Protein change: p.Glu738fs; shifts the reading frame from glutamic acid 738.
Molecular consequence: frameshift variant. On other transcripts: non-coding transcript variant (2).
Genome position (GRCh38, 1-based): chr17:59,028,460, C deleted on the plus strand (G on the coding strand, the reverse complement: TRIM37 is on the minus strand); the first of 2 consecutive C bases (chr17:59,028,460-59,028,461); deleting either gives the same sequence. VCF-style (leftmost placement, unchanged base first): chr17-59028459-TC-T. GRCh37 (hg19) VCF-style: chr17-57105820-TC-T.
Other names: c.2212del, p.Glu738fs (NM_001005207.5, NM_001320988.3, NM_001320989.3 and 1 more transcripts); c.2110del, p.Glu704fs (NM_001320987.3, NM_001353082.2); c.1846del, p.Glu616fs (NM_001320990.3); c.1477del, p.Glu493fs (NM_001353083.2); c.1750del, p.Glu584fs (NM_001353085.2); c.2161del, p.Glu721fs (NM_001353086.2); c.2212delG (NM_015294.4); short protein forms E616fs, E721fs, E493fs, E584fs, E704fs, E738fs.
Identifiers: ClinVar variation 56568 (VCV000056568.7), dbSNP rs386833416, ClinGen allele CA144375.
Genomic context (GRCh38, chr17:59,028,459, plus strand): 5'-GGAACATATTACTTACAGTTTCGTATGTAACAATTGGCAACTGATGACTTTGCCAGGAGT[TC>T]CATTCCCAAATCCTGCAATCTGCCAGAGTTTTCAGTTCCACATGCAGCCAGAGCTGCCTG-3'